The following is an entry in ClinVar:

NM_170707.4(LMNA):c.1158-43A>G

Gene: LMNA (lamin A/C; plus strand). Cytogenetic location: 1q22.
Variant type: single nucleotide variant.
Coding change: c.1158-43A>G on transcript NM_170707.4 (MANE Select); 43 bases into the intron before coding-DNA position 1158, A replaced by G.
Molecular consequence: intron variant.
Genome position (GRCh38, 1-based): chr1:156,136,171, A>G. VCF-style: chr1-156136171-A-G. GRCh37 (hg19) VCF-style: chr1-156105962-A-G.
Other names: c.1158-43A>G (NM_001282625.2, NM_001282626.2, NM_170708.4 and 1 more transcripts); c.822-43A>G (NM_001257374.3); c.915-43A>G (NM_001282624.2).
Identifiers: ClinVar variation 262793 (VCV000262793.14), dbSNP rs16837198, ClinGen allele CA049234.

ClinVar aggregate classification (germline): Benign/Likely benign. Review status: criteria provided, multiple submitters, no conflicts (2 of 4 stars). 4 submissions from 4 submitters: Benign (2); Likely benign (2). Last evaluated 2025-06-27.

Allele frequency attached by ClinVar (database versions not stated): gnomAD 0.02050 and 0.02198; ESP Exome Variant Server 0.02422; 1000 Genomes Project 0.02316; gnomAD exomes 0.00551 and 0.00217; TOPMed 0.02336; ExAC 0.00686; 1000 Genomes Project 30x 0.02342.
gnomAD v4.1: 6,550 of 1,612,968 alleles (0.41%); highest among the groups gnomAD compares: African/African-American, 7.4%; 229 homozygotes.

Submissions (4):

ARUP Laboratories, Molecular Genetics and Genomics, ARUP Laboratories
Classification: Benign. Last evaluated: 2025-06-27. Review status: criteria provided, single submitter. Criteria: ARUP Molecular Germline Variant Investigation Process 2024. Collection method: clinical testing. Allele origin: germline.

GeneDx
Classification: Benign. Last evaluated: 2018-06-16. Review status: criteria provided, single submitter. Criteria: GeneDx Variant Classification (06012015). Collection method: clinical testing. Allele origin: germline. Affected: yes.
Comment: This variant is considered likely benign or benign based on one or more of the following criteria: it is a conservative change, it occurs at a poorly conserved position in the protein, it is predicted to be benign by multiple in silico algorithms, and/or has population frequency not consistent with disease.

Breakthrough Genomics
Classification: Likely benign. Review status: criteria provided, single submitter. Criteria: ACMG Guidelines, 2015. Collection method: not provided. Allele origin: germline. Inheritance: Autosomal recessive inheritance. Affected: yes.

PreventionGenetics, part of Exact Sciences
Classification: Likely benign. Review status: criteria provided, single submitter. Criteria: ACMG Guidelines, 2015. Collection method: clinical testing. Allele origin: germline.